The following is an entry in ClinVar:

NM_001035.3(RYR2):c.7512+3G>C

Gene: RYR2 (ryanodine receptor 2; plus strand). Cytogenetic location: 1q43.
Variant type: single nucleotide variant.
Coding change: c.7512+3G>C on transcript NM_001035.3 (MANE Select); 3 bases into the intron after coding-DNA position 7512, G replaced by C.
Molecular consequence: intron variant.
Genome position (GRCh38, 1-based): chr1:237,648,616, G>C. VCF-style: chr1-237648616-G-C. GRCh37 (hg19) VCF-style: chr1-237811916-G-C.
Identifiers: ClinVar variation 1369804 (VCV001369804.7), dbSNP rs2148790353, ClinGen allele CA2573132857.

ClinVar aggregate classification (germline): Uncertain significance (1 of 4 stars; one submission).

Conditions:
Catecholaminergic polymorphic ventricular tachycardia 1. Also called: VENTRICULAR TACHYCARDIA, STRESS-INDUCED POLYMORPHIC 1; VENTRICULAR TACHYCARDIA, CATECHOLAMINERGIC POLYMORPHIC, 1, WITH OR WITHOUT ATRIAL DYSFUNCTION AND/OR DILATED CARDIOMYOPATHY; RYR2-Related Catecholaminergic Polymorphic Ventricular Tachycardia. Identifiers: Orphanet 3286, MedGen C1631597, MONDO:0011484, OMIM 604772.

Submission:

Labcorp Genetics (formerly Invitae), Labcorp
Classification: Uncertain significance for Catecholaminergic polymorphic ventricular tachycardia 1. Last evaluated: 2021-07-25. Review status: criteria provided, single submitter. Criteria: Invitae Variant Classification Sherloc (09022015). Collection method: clinical testing. Allele origin: germline.
Comment: In summary, the available evidence is currently insufficient to determine the role of this variant in disease. Therefore, it has been classified as a Variant of Uncertain Significance. Nucleotide substitutions within the consensus splice site are a relatively common cause of aberrant splicing (PMID: 17576681, 9536098). Algorithms developed to predict the effect of sequence changes on RNA splicing suggest that this variant may disrupt the consensus splice site. This variant has not been reported in the literature in individuals affected with RYR2-related conditions. This variant is not present in population databases (ExAC no frequency). This sequence change falls in intron 49 of the RYR2 gene. It does not directly change the encoded amino acid sequence of the RYR2 protein. It affects a nucleotide within the consensus splice site of the intron.

Literature cited by the submitters: PubMed 17576681; PubMed 9536098.